The following is an entry in ClinVar:

NM_004208.4(AIFM1):c.736A>C (p.Asn246His)

Genes: AIFM1 (apoptosis inducing factor mitochondria associated 1; minus strand), RAB33A (RAB33A, member RAS oncogene family; plus strand). Cytogenetic location: Xq26.1.
Variant type: single nucleotide variant.
Coding change: c.736A>C on transcript NM_004208.4 (MANE Select); coding-DNA position 736, A replaced by C.
Protein change: p.Asn246His; replaces asparagine 246 with histidine.
Molecular consequence: missense variant. On other transcripts: non-coding transcript variant (1).
Genome position (GRCh38, 1-based): chrX:130,140,578, T>G on the plus strand (A>C on the coding strand, the complement: AIFM1 is on the minus strand). VCF-style: chrX-130140578-T-G. GRCh37 (hg19) VCF-style: chrX-129274553-T-G.
Other names: c.736A>C, p.Asn246His (NM_001130847.4); c.724A>C, p.Asn242His (NM_145812.3); short protein forms N242H, N246H.
Identifiers: ClinVar variation 3768283 (VCV003768283.1).
Genomic context (GRCh38, chrX:130,140,578, plus strand): 5'-TCCAGAAATGCTCACCTGTTGCAATCAAGCACTTTTCATAGGTTATTTGAGAGCCATCAT[T>G]AAGTTTCACCATGTTGTCTCTCACATCCAGCTGTACTACCTGGTACAGTCACACACATAC-3'
Protein context (NP_004199.1, residues 236-256): LDVRDNMVKL[Asn246His]DGSQITYEKC

ClinVar aggregate classification (germline): Uncertain significance (1 of 4 stars; one submission).

gnomAD v4.1: 1 of 1,211,008 alleles (0.000083%); highest among the groups gnomAD compares: African/African-American, 0.0017%; no homozygotes.

Submission:

Women's Health and Genetics/Laboratory Corporation of America, LabCorp
Classification: Uncertain significance. Last evaluated: 2024-12-04. Review status: criteria provided, single submitter. Criteria: LabCorp Variant Classification Summary - May 2015. Collection method: clinical testing. Allele origin: germline.
Comment: Variant summary: AIFM1 c.736A>C (p.Asn246His) results in a conservative amino acid change located in the Pyridine nucleotide-disulphide oxidoreductase (IPR050446) of the encoded protein sequence. Four of five in-silico tools predict a benign effect of the variant on protein function. The variant was absent in 204290 control chromosomes. The available data on variant occurrences in the general population are insufficient to allow any conclusion about variant significance. To our knowledge, no occurrence of c.736A>C in individuals affected with Charcot-Marie-Tooth disease X-linked recessive 4 and no experimental evidence demonstrating its impact on protein function have been reported. No submitters have cited clinical-significance assessments for this variant to ClinVar. Based on the evidence outlined above, the variant was classified as uncertain significance.